The following is an entry in ClinVar:

ClinVar aggregate classification (germline): Uncertain significance (1 of 4 stars; one submission).

Conditions:
Myopathy, proximal, and ophthalmoplegia (CMYO6). Also called: MYOPATHY WITH CONGENITAL JOINT CONTRACTURES, OPHTHALMOPLEGIA, AND RIMMED VACUOLES; INCLUSION BODY MYOPATHY 3, AUTOSOMAL DOMINANT; CONGENITAL MYOPATHY 6 WITH OPHTHALMOPLEGIA. Identifiers: Orphanet 363677, Orphanet 79091, MedGen C1854106, MONDO:0011577, OMIM 605637.

Allele frequency attached by ClinVar (database versions not stated): gnomAD exomes below 0.00001.

Submission:

Labcorp Genetics (formerly Invitae), Labcorp
Classification: Uncertain significance for Myopathy, proximal, and ophthalmoplegia. Last evaluated: 2021-05-19. Review status: criteria provided, single submitter. Criteria: Invitae Variant Classification Sherloc (09022015). Collection method: clinical testing. Allele origin: germline.
Comment: This sequence change replaces aspartic acid with asparagine at codon 1278 of the MYH2 protein (p.Asp1278Asn). The aspartic acid residue is highly conserved and there is a small physicochemical difference between aspartic acid and asparagine. This variant is not present in population databases (ExAC no frequency). This variant has not been reported in the literature in individuals with MYH2-related conditions. Algorithms developed to predict the effect of missense changes on protein structure and function are either unavailable or do not agree on the potential impact of this missense change (SIFT: "Deleterious"; PolyPhen-2: "Possibly Damaging"; Align-GVGD: "Class C15"). In summary, the available evidence is currently insufficient to determine the role of this variant in disease. Therefore, it has been classified as a Variant of Uncertain Significance.

NM_017534.6(MYH2):c.3832G>A (p.Asp1278Asn)

Genes: MYHAS (myosin heavy chain gene cluster antisense RNA; plus strand), MYH2 (myosin heavy chain 2; minus strand). Cytogenetic location: 17p13.1.
Variant type: single nucleotide variant.
Coding change: c.3832G>A on transcript NM_017534.6 (MANE Select); coding-DNA position 3832, G replaced by A.
Protein change: p.Asp1278Asn; replaces aspartic acid 1278 with asparagine.
Molecular consequence: missense variant.
Genome position (GRCh38, 1-based): chr17:10,527,787, C>T on the plus strand (G>A on the coding strand, the complement: MYH2 is on the minus strand). VCF-style: chr17-10527787-C-T. GRCh37 (hg19) VCF-style: chr17-10431104-C-T.
Other names: c.3832G>A, p.Asp1278Asn (NM_001100112.2); short protein forms D1278N.
Identifiers: ClinVar variation 1419211 (VCV001419211.8), dbSNP rs905151466, ClinGen allele CA287738131.